The following is an entry in ClinVar:

NM_205768.3(ZBTB18):c.832C>G (p.Leu278Val)

Gene: ZBTB18 (zinc finger and BTB domain containing 18; plus strand). Cytogenetic location: 1q44.
Variant type: single nucleotide variant.
Coding change: c.832C>G on transcript NM_205768.3 (MANE Select); coding-DNA position 832, C replaced by G.
Protein change: p.Leu278Val; replaces leucine 278 with valine.
Molecular consequence: missense variant. On other transcripts: 3 prime UTR variant (1).
Genome position (GRCh38, 1-based): chr1:244,054,606, C>G. VCF-style: chr1-244054606-C-G. GRCh37 (hg19) VCF-style: chr1-244217908-C-G.
Other names: c.805C>G, p.Leu269Val (NM_001278196.2, NM_006352.5); c.*9C>G (NM_001421566.1); short protein forms L269V, L278V.
Identifiers: ClinVar variation 2917239 (VCV002917239.3), dbSNP rs772519937, ClinGen allele CA1484354.
Genomic context (GRCh38, chr1:244,054,606, plus strand): 5'-TCAGGAGTTGAAAATCTGAACAGCTCTTATTTCTCTTCACAGGACGTGCTGAGAAGCAAC[C>G]TGGTGCAGGTGAAGGTGGAGAAAGAGGCTTCCTGTGATGAGAGTGATGTTGGCACTAATG-3'
Protein context (NP_991331.1, residues 268-288): FSSQDVLRSN[Leu278Val]VQVKVEKEAS

ClinVar aggregate classification (germline): Uncertain significance (1 of 4 stars; one submission).

Allele frequency attached by ClinVar (database versions not stated): gnomAD exomes below 0.00001; TOPMed 0.00001; ExAC 0.00002.

Submission:

Labcorp Genetics (formerly Invitae), Labcorp
Classification: Uncertain significance. Last evaluated: 2024-09-30. Review status: criteria provided, single submitter. Criteria: Invitae Variant Classification Sherloc (09022015). Collection method: clinical testing. Allele origin: germline.
Comment: This sequence change replaces leucine, which is neutral and non-polar, with valine, which is neutral and non-polar, at codon 278 of the ZBTB18 protein (p.Leu278Val). This variant is present in population databases (rs772519937, gnomAD 0.005%). This variant has not been reported in the literature in individuals affected with ZBTB18-related conditions. Invitae Evidence Modeling of protein sequence and biophysical properties (such as structural, functional, and spatial information, amino acid conservation, physicochemical variation, residue mobility, and thermodynamic stability) indicates that this missense variant is not expected to disrupt ZBTB18 protein function with a negative predictive value of 95%. In summary, the available evidence is currently insufficient to determine the role of this variant in disease. Therefore, it has been classified as a Variant of Uncertain Significance.